The following is an entry in ClinVar:

ClinVar aggregate classification (germline): Benign (1 of 4 stars; one submission).

Allele frequency attached by ClinVar (database versions not stated): 1000 Genomes Project 0.41454; 1000 Genomes Project 30x 0.42005; gnomAD 0.49017 and 0.49794; TOPMed 0.49133.

Submission:

GeneDx
Classification: Benign. Last evaluated: 2018-06-14. Review status: criteria provided, single submitter. Criteria: GeneDx Variant Classification (06012015). Collection method: clinical testing. Allele origin: germline. Affected: yes.
Comment: This variant is considered likely benign or benign based on one or more of the following criteria: it is a conservative change, it occurs at a poorly conserved position in the protein, it is predicted to be benign by multiple in silico algorithms, and/or has population frequency not consistent with disease.

NM_000431.4(MVK):c.1039+284G>C

Gene: MVK (mevalonate kinase; plus strand). Cytogenetic location: 12q24.11.
Variant type: single nucleotide variant.
Coding change: c.1039+284G>C on transcript NM_000431.4 (MANE Select); 284 bases into the intron after coding-DNA position 1039, G replaced by C.
Molecular consequence: intron variant.
Genome position (GRCh38, 1-based): chr12:109,595,465, G>C. VCF-style: chr12-109595465-G-C. GRCh37 (hg19) VCF-style: chr12-110033270-G-C.
Other names: c.883+284G>C (NM_001301182.2); c.1039+284G>C (NM_001114185.3).
Identifiers: ClinVar variation 680644 (VCV000680644.1), dbSNP rs10850435, ClinGen allele CA13632206.